The following is an entry in ClinVar:

ClinVar aggregate classification (germline): Uncertain significance (1 of 4 stars; one submission).

Submission:

GeneDx
Classification: Uncertain significance. Last evaluated: 2024-01-04. Review status: criteria provided, single submitter. Criteria: GeneDx Variant Classification Process June 2021. Collection method: clinical testing. Allele origin: germline. Affected: yes.
Comment: Not observed at significant frequency in large population cohorts (gnomAD); In silico analysis supports that this missense variant does not alter protein structure/function; Has not been previously published as pathogenic or benign to our knowledge

NM_016239.4(MYO15A):c.3094C>T (p.Pro1032Ser)

Gene: MYO15A (myosin XVA; plus strand). Cytogenetic location: 17p11.2.
Variant type: single nucleotide variant.
Coding change: c.3094C>T on transcript NM_016239.4 (MANE Select); coding-DNA position 3094, C replaced by T.
Protein change: p.Pro1032Ser; replaces proline 1032 with serine.
Molecular consequence: missense variant.
Genome position (GRCh38, 1-based): chr17:18,121,894, C>T. VCF-style: chr17-18121894-C-T. GRCh37 (hg19) VCF-style: chr17-18025208-C-T.
Other names: short protein forms P1032S.
Identifiers: ClinVar variation 3367393 (VCV003367393.1).